The following is an entry in ClinVar:

ClinVar aggregate classification (germline): Likely benign (1 of 4 stars; one submission).

Conditions:
PLXNA3-related disorder. Also called: PLXNA3-related condition.

Submission:

PreventionGenetics, part of Exact Sciences
Classification: Likely benign for PLXNA3-related condition. Last evaluated: 2025-12-14. Review status: criteria provided, single submitter. Criteria: ACMG Guidelines, 2015. Collection method: clinical testing. Allele origin: germline.
Comment: This variant is classified as likely benign based on ACMG/AMP sequence variant interpretation guidelines (Richards et al. 2015 PMID: 25741868, with internal and published modifications).

NM_017514.5(PLXNA3):c.63G>A (p.Arg21=)

Gene: PLXNA3 (plexin A3; plus strand). Cytogenetic location: Xq28.
Variant type: single nucleotide variant.
Coding change: c.63G>A on transcript NM_017514.5 (MANE Select); coding-DNA position 63, G replaced by A.
Protein change: p.Arg21=; no amino-acid change (arginine 21 retained).
Molecular consequence: synonymous variant.
Genome position (GRCh38, 1-based): chrX:154,460,246, G>A. VCF-style: chrX-154460246-G-A. GRCh37 (hg19) VCF-style: chrX-153688586-G-A.
Identifiers: ClinVar variation 4979438 (VCV004979438.1).
Genomic context (GRCh38, chrX:154,460,246, plus strand): 5'-GCCCTCTGTCTGCCTCCTCCTGCTGCTCTTCCTTGCCGTGGGGGGGGCCCTGGGCAACAG[G>A]CCCTTCCGTGCCTTCGTGGTGACAGACACCACGCTTACCCACCTGGCTGTGCACCGGGTG-3'
Protein context (NP_059984.3, residues 11-31): FLAVGGALGN[Arg21=]PFRAFVVTDT